The following is an entry in ClinVar:

ClinVar aggregate classification (germline): Likely benign (0 of 4 stars; one submission).

Conditions:
IFNLR1-related disorder. Also called: IFNLR1-related condition.

Allele frequency attached by ClinVar (database versions not stated): ExAC 0.00062; 1000 Genomes Project 0.00160; 1000 Genomes Project 30x 0.00172; TOPMed 0.00205; ESP Exome Variant Server 0.00269.
gnomAD v4.1: 545 of 1,614,194 alleles (0.034%); highest among the groups gnomAD compares: African/African-American, 0.66%; 4 homozygotes.

Submission:

PreventionGenetics, part of Exact Sciences
Classification: Likely benign for IFNLR1-related condition. Last evaluated: 2019-10-28. Review status: no assertion criteria provided. Collection method: clinical testing. Allele origin: germline.
Comment: This variant is classified as likely benign based on ACMG/AMP sequence variant interpretation guidelines (Richards et al. 2015 PMID: 25741868, with internal and published modifications).

NM_170743.4(IFNLR1):c.963C>A (p.Asp321Glu)

Gene: IFNLR1 (interferon lambda receptor 1; minus strand). Cytogenetic location: 1p36.11.
Variant type: single nucleotide variant.
Coding change: c.963C>A on transcript NM_170743.4 (MANE Select); coding-DNA position 963, C replaced by A.
Protein change: p.Asp321Glu; replaces aspartic acid 321 with glutamic acid.
Molecular consequence: missense variant. On other transcripts: 3 prime UTR variant (1).
Genome position (GRCh38, 1-based): chr1:24,157,730, G>T on the plus strand (C>A on the coding strand, the complement: IFNLR1 is on the minus strand). VCF-style: chr1-24157730-G-T. GRCh37 (hg19) VCF-style: chr1-24484220-G-T.
Other names: c.876C>A, p.Asp292Glu (NM_173064.3); c.*97C>A (NM_173065.3); short protein forms D292E, D321E.
Identifiers: ClinVar variation 3039947 (VCV003039947.2), dbSNP rs74399859, ClinGen allele CA689476.
Genomic context (GRCh38, chr1:24,157,730, plus strand): 5'-CTGGAAGCTGACGCCATCTTCTGTGTCCTCCTCATCCTCCTCCTCTTCGTCCTCTGCAAG[G>T]TCCTTCTTCCATCTTGTCTGTTGGGTGGCTGGGGCCCTGACTCGAGGCGTCGGCCTGACC-3'
Protein context (NP_734464.1, residues 311-331): PATQQTRWKK[Asp321Glu]LAEDEEEEDE